The following is an entry in ClinVar:

NM_000191.3(HMGCL):c.184A>T (p.Met62Leu)

Gene: HMGCL (3-hydroxy-3-methylglutaryl-CoA lyase; minus strand). Cytogenetic location: 1p36.11.
Variant type: single nucleotide variant.
Coding change: c.184A>T on transcript NM_000191.3 (MANE Select); coding-DNA position 184, A replaced by T.
Protein change: p.Met62Leu; replaces methionine 62 with leucine.
Molecular consequence: missense variant.
Genome position (GRCh38, 1-based): chr1:23,817,544, T>A on the plus strand (A>T on the coding strand, the complement: HMGCL is on the minus strand). VCF-style: chr1-23817544-T-A. GRCh37 (hg19) VCF-style: chr1-24144034-T-A.
Other names: c.184A>T, p.Met62Leu (NM_001166059.2); short protein forms M62L.
Identifiers: ClinVar variation 1382721 (VCV001382721.6), dbSNP rs373738626, ClinGen allele CA339029258.
Genomic context (GRCh38, chr1:23,817,544, plus strand): 5'-CCCACTTAGGAGACACAAAGCTGGTGGTTTCTATAACAGAGAGTCCTGCTTCAGAAAGCA[T>A]GTCTATCAGCTTGATTTTCACTGGAGTAGATACGATATTCTATAGTGGAGAGAGAAACAC-3'
Protein context (NP_000182.2, residues 52-72): STPVKIKLID[Met62Leu]LSEAGLSVIE

ClinVar aggregate classification (germline): Uncertain significance (1 of 4 stars; one submission).

Conditions:
Deficiency of hydroxymethylglutaryl-CoA lyase (HMGCLD). Also called: HMGCL DEFICIENCY; HYDROXYMETHYLGLUTARIC ACIDURIA; HMG-CoA LYASE DEFICIENCY; Defect in leucine metabolism; 3-hydroxy-3-methylglutaric aciduria. Identifiers: Orphanet 20, MedGen C1533587, MONDO:0009520, OMIM 246450.

gnomAD v4.1: 3 of 1,613,608 alleles (0.00019%); highest among the groups gnomAD compares: Non-Finnish European, 0.00025%; no homozygotes.

Submission:

Labcorp Genetics (formerly Invitae), Labcorp
Classification: Uncertain significance for Deficiency of hydroxymethylglutaryl-CoA lyase. Last evaluated: 2021-09-23. Review status: criteria provided, single submitter. Criteria: Invitae Variant Classification Sherloc (09022015). Collection method: clinical testing. Allele origin: germline.
Comment: In summary, the available evidence is currently insufficient to determine the role of this variant in disease. Therefore, it has been classified as a Variant of Uncertain Significance. Algorithms developed to predict the effect of missense changes on protein structure and function (SIFT, PolyPhen-2, Align-GVGD) all suggest that this variant is likely to be tolerated. This variant has not been reported in the literature in individuals affected with HMGCL-related conditions. This variant is not present in population databases (ExAC no frequency). This sequence change replaces methionine with leucine at codon 62 of the HMGCL protein (p.Met62Leu). The methionine residue is moderately conserved and there is a small physicochemical difference between methionine and leucine.